The following is an entry in ClinVar:

ClinVar aggregate classification (germline): Likely pathogenic. Review status: criteria provided, multiple submitters, no conflicts (2 of 4 stars). 2 submissions from 2 submitters: Likely pathogenic (2). Last evaluated 2023-02-05.

Conditions:
Very long chain acyl-CoA dehydrogenase deficiency (ACADVLD). Also called: Very Long-Chain Acyl-Coenzyme A Dehydrogenase Deficiency; VLCAD Deficiency. Identifiers: Orphanet 26793, MedGen C3887523, MONDO:0008723, OMIM 201475.

Submissions (2):

Baylor Genetics
Classification: Likely pathogenic for Very long chain acyl-CoA dehydrogenase deficiency. Last evaluated: 2023-02-05. Review status: criteria provided, single submitter. Criteria: ACMG Guidelines, 2015. Collection method: clinical testing. Allele origin: unknown.

Juno Genomics, Hangzhou Juno Genomics, Inc
Classification: Likely pathogenic for Very long chain acyl-CoA dehydrogenase deficiency. Review status: criteria provided, single submitter. Criteria: ACMG Guidelines, 2015. Collection method: clinical testing. Allele origin: germline.
Comment: Absent from controls (or at extremely low frequency if recessive) in Genome Aggregation Database.;Null variant in a gene where loss of function (LOF) is a known mechanism of disease.

NM_000018.4(ACADVL):c.228_231dup (p.Phe78fs)

Gene: ACADVL (acyl-CoA dehydrogenase very long chain; plus strand). Cytogenetic location: 17p13.1.
Variant type: Duplication.
Coding change: c.228_231dup on transcript NM_000018.4 (MANE Select); coding-DNA positions 228 to 231, 4 bases duplicated (AATG; older notation c.228_231dupAATG).
Protein change: p.Phe78fs; shifts the reading frame from phenylalanine 78.
Molecular consequence: frameshift variant. On other transcripts: initiator codon variant (1).
Genome position (GRCh38, 1-based): chr17:7,220,627-7,220,630, AATG duplicated; duplicating any 4 consecutive bases within chr17:7,220,626-7,220,630 gives the same sequence; the c. name uses the placement nearest the transcript's 3' end. VCF-style (leftmost placement, unchanged base first): chr17-7220625-G-GGAAT. GRCh37 (hg19) VCF-style: chr17-7123944-G-GGAAT.
Other names: c.162_165dup, p.Phe56fs (NM_001033859.3); c.297_300dup, p.Phe101fs (NM_001270447.2); c.-1_3dup, p.Phe2fs (NM_001270448.2); short protein forms F101fs, F2fs, F56fs, F78fs.
Identifiers: ClinVar variation 2680254 (VCV002680254.3), dbSNP rs2508252304, ClinGen allele CA2695199907.